The following is an entry in ClinVar:

ClinVar aggregate classification (germline): Likely pathogenic (1 of 4 stars; one submission).

Conditions:
Primary dilated cardiomyopathy (DCM). Also called: Dilated Cardiomyopathy. Identifiers: Orphanet 217604, MedGen C0007193, MeSH D002311, MONDO:0005021, HP:0001644. Inheritance: Various modes of inheritance.

Submission:

Lildballe Lab, Aarhus University Hospital
Classification: Likely pathogenic for dilated cardiomyopathy. Last evaluated: 2024-03-01. Review status: criteria provided, single submitter. Criteria: ACMG Guidelines, 2015. Collection method: research. Allele origin: germline. Affected: yes.
Comment: PVS1(vs), PM2(sup)

Literature cited by the submitters: PubMed 25741947; PubMed 39481677.

NM_001267550.2(TTN):c.89488del (p.Ala29830fs)

Genes: TTN (titin; minus strand), TTN-AS1 (TTN antisense RNA 1; plus strand). Cytogenetic location: 2q31.2.
Variant type: Deletion.
Coding change: c.89488del on transcript NM_001267550.2 (MANE Select); coding-DNA position 89488, one base deleted (G; older notation c.89488delG).
Protein change: p.Ala29830fs; shifts the reading frame from alanine 29830.
Molecular consequence: frameshift variant.
Genome position (GRCh38, 1-based): chr2:178,553,517, C deleted on the plus strand (G on the coding strand, the reverse complement: TTN is on the minus strand). VCF-style (leftmost placement, unchanged base first): chr2-178553516-GC-G. GRCh37 (hg19) VCF-style: chr2-179418243-GC-G.
Other names: c.84565del, p.Ala28189fs (NM_001256850.1); c.62293del, p.Ala20765fs (NM_003319.4); c.81784del, p.Ala27262fs (NM_133378.4); c.62668del, p.Ala20890fs (NM_133432.3); c.62869del, p.Ala20957fs (NM_133437.4); c.62293delG (NM_003319.4); short protein forms A20765fs, A20890fs, A20957fs, A27262fs, A28189fs, A29830fs.
Identifiers: ClinVar variation 3338361 (VCV003338361.1).
Genomic context (GRCh38, chr2:178,553,516, plus strand): 5'-GGAAGTATGCTTATTAAAAAACATAATCAAACCAGTAGGTACATACCAAGTATATCTTTA[GC>G]TTGTACAGGTTCATTCATTTCTATAGGTTCTCCTTGTCCAGCACAGTTTACAGCAGATAC-3'